The following is an entry in ClinVar:

NM_000092.5(COL4A4):c.2377del (p.Ala793fs)

Gene: COL4A4 (collagen type IV alpha 4 chain; minus strand). Cytogenetic location: 2q36.3.
Variant type: Deletion.
Coding change: c.2377del on transcript NM_000092.5 (MANE Select); coding-DNA position 2377, one base deleted (G; older notation c.2377delG).
Protein change: p.Ala793fs; shifts the reading frame from alanine 793.
Molecular consequence: frameshift variant.
Genome position (GRCh38, 1-based): chr2:227,059,411, C deleted on the plus strand (G on the coding strand, the reverse complement: COL4A4 is on the minus strand); the first of 4 consecutive C bases (chr2:227,059,411-227,059,414); deleting any one gives the same sequence. VCF-style (leftmost placement, unchanged base first): chr2-227059410-GC-G. GRCh37 (hg19) VCF-style: chr2-227924126-GC-G.
Other names: c.2377del (NM_000092.4); short protein forms A793fs.
Identifiers: ClinVar variation 975097 (VCV000975097.13), dbSNP rs1976320157, ClinGen allele CA1139657719.

ClinVar aggregate classification (germline): Pathogenic/Likely pathogenic. Review status: criteria provided, multiple submitters, no conflicts (2 of 4 stars). 5 submissions from 5 submitters: Pathogenic (4); Likely pathogenic (1). Last evaluated 2025-11-04.

Conditions:
Alport syndrome. Also called: Hemorrhagic familial nephritis; Hemorrhagic hereditary nephritis; Congenital hereditary hematuria. Identifiers: Orphanet 63, MedGen C1567741, MONDO:0018965.
Autosomal recessive Alport syndrome (ATS2). Also called: COL4A4 Alport Syndrome and Thin Basement Membrane Nephropathy; ALPORT SYNDROME 2, AUTOSOMAL RECESSIVE; Alport syndrome type 2; COL4A3-Related Nephropathy. Identifiers: Orphanet 63, Orphanet 88919, MedGen C4746745, MONDO:0008762, OMIM 203780.
Benign familial hematuria. Also called: thin basement membrane disease. Identifiers: MedGen C0241908, MONDO:0957317.

Submissions (5):

Labcorp Genetics (formerly Invitae), Labcorp
Classification: Pathogenic. Last evaluated: 2025-11-04. Review status: criteria provided, single submitter. Criteria: Invitae Variant Classification Sherloc (09022015). Collection method: clinical testing. Allele origin: germline.
Comment: This sequence change creates a premature translational stop signal (p.Ala793Leufs*11) in the COL4A4 gene. It is expected to result in an absent or disrupted protein product. Loss-of-function variants in COL4A4 are known to be pathogenic (PMID: 21196518, 24854265, 25307543). This variant is not present in population databases (gnomAD no frequency). This variant has not been reported in the literature in individuals affected with COL4A4-related conditions. ClinVar contains an entry for this variant (Variation ID: 975097). For these reasons, this variant has been classified as Pathogenic.

Natera, Inc.
Classification: Likely pathogenic for Alport syndrome. Last evaluated: 2025-07-23. Review status: criteria provided, single submitter. Criteria: Natera Variant Classification Schema (03/2026). Collection method: clinical testing. Allele origin: germline.
Comment: The c.2377del variant in COL4A4 is a frameshift variant predicted to shift the reading frame beginning at codon 793 and leads to a stop codon 11 codons downstream. This variant is expected to result in nonsense mediated decay, truncation, or a dysfunctional protein product. This variant is rare in the general population with a frequency below the threshold expected for the associated phenotype(s). Given the available evidence, this variant is classified as Likely Pathogenic.

GeneDx
Classification: Pathogenic. Last evaluated: 2024-05-23. Review status: criteria provided, single submitter. Criteria: GeneDx Variant Classification Process June 2021. Collection method: clinical testing. Allele origin: germline. Affected: yes.
Comment: Reported in the published literature in an adult patient with thin basement membrane disease; however, a second COL4A4 variant was not identified (PMID: 32939031); Frameshift variant predicted to result in protein truncation or nonsense mediated decay in a gene for which loss of function is a known mechanism of disease; Not observed at significant frequency in large population cohorts (gnomAD); This variant is associated with the following publications: (PMID: 32939031)

Victorian Clinical Genetics Services, Murdoch Childrens Research Institute
Classification: Pathogenic for Alport syndrome. Last evaluated: 2022-02-02. Review status: criteria provided, single submitter. Criteria: ACMG Guidelines, 2015. Collection method: clinical testing. Allele origin: germline. Affected: yes.
Comment: Based on the classification scheme VCGS_Germline_v1.3.4, this variant is classified as Pathogenic. Following criteria are met: 0103 - Loss of function is a known mechanism of disease for this gene and is associated with COL4A4-related nephropathy. Dominant negative is a suspected mechanism of disease for this gene as it is a structural protein (PMIDs: 12028435, 24046192). (I) 0108 - This gene is associated with both recessive and dominant disease. Alport syndrome typically has biallelic inheritance, although rare cases of monoallelic inheritance have been reported (PMID: 28704582). TBMN and focal segmental glomerulosclerosis (FSGS) are associated with autosomal dominant inheritance (OMIM, PMIDs: 16467446, 17942953). (I) 0201 - Variant is predicted to cause nonsense-mediated decay (NMD) and loss of protein (premature termination codon is located at least 54 nucleotides upstream of the final exon-exon junction). (SP) 0251 - This variant is heterozygous. (I) 0301 - Variant is absent from gnomAD (both v2 and v3). (SP) 0701 - Other variants predicted to cause NMD comparable to the one identified in this case have very strong previous evidence for pathogenicity (DECIPHER). (SP) 0809 - Previous evidence of pathogenicity for this variant is inconclusive. It has been reported in a healthy individual in LOVD, however pathogenic variants in this gene can result in milder phenotype with normal renal function (PMID: 30450445). (I) 0905 - No published segregation evidence has been identified for this variant. (I) 1007 - No published functional evidence has been identified for this variant. (I) Legend: (SP) - Supporting pathogenic, (I) - Information, (SB) - Supporting benign

Fulgent Genetics
Classification: Pathogenic for Hematuria, benign familial, 1; Autosomal recessive Alport syndrome. Last evaluated: 2021-07-10. Review status: criteria provided, single submitter. Criteria: ACMG Guidelines, 2015. Collection method: clinical testing. Allele origin: unknown.

Literature cited by the submitters: PubMed 21196518 (cited by Labcorp Genetics (formerly Invitae), Labcorp); PubMed 24854265 (cited by Labcorp Genetics (formerly Invitae), Labcorp); PubMed 25307543 (cited by Labcorp Genetics (formerly Invitae), Labcorp); PubMed 12028435 (cited by Victorian Clinical Genetics Services, Murdoch Childrens Research Institute); PubMed 16467446 (cited by Victorian Clinical Genetics Services, Murdoch Childrens Research Institute); PubMed 17942953 (cited by Victorian Clinical Genetics Services, Murdoch Childrens Research Institute); PubMed 24046192 (cited by Victorian Clinical Genetics Services, Murdoch Childrens Research Institute); PubMed 28704582 (cited by Victorian Clinical Genetics Services, Murdoch Childrens Research Institute); PubMed 30450445 (cited by Victorian Clinical Genetics Services, Murdoch Childrens Research Institute).